The following is an entry in ClinVar:

ClinVar aggregate classification (germline): Uncertain significance. Review status: reviewed by expert panel (3 of 4 stars). 5 submissions from 5 submitters: Uncertain significance (1). 4 of the submissions do not count toward it. Last evaluated 2024-01-10.

Conditions:
IL2RG-related disorder. Also called: IL2RG-related condition.
X-linked severe combined immunodeficiency (SCIDX1). Also called: IMMUNODEFICIENCY 4; X-Linked Combined Immunodeficiency Diseases; SEVERE COMBINED IMMUNODEFICIENCY, X-LINKED, T CELL-NEGATIVE, B CELL-POSITIVE, NK CELL-NEGATIVE; SCID, X-LINKED; T-B+ severe combined immunodeficiency due to gamma chain deficiency. Identifiers: Orphanet 276, MedGen C6022468, MONDO:0010315, OMIM 300400. Disease mechanism: loss of function.
Inborn genetic diseases. Identifiers: MedGen C0950123, MeSH D030342.

Allele frequency attached by ClinVar (database versions not stated): gnomAD 0.00002; gnomAD exomes 0.00002; TOPMed 0.00003.
gnomAD v4.1: 129 of 1,152,080 alleles (0.011%); highest among the groups gnomAD compares: Non-Finnish European, 0.015%; no homozygotes.

Submissions (5):

ClinGen Severe Combined Immunodeficiency Variant Curation Expert Panel, ClinGen
Classification: Uncertain significance for X-linked severe combined immunodeficiency. Last evaluated: 2024-01-10. Review status: reviewed by expert panel. Criteria: ClinGen SCID ACMG Specifications IL2RG V1.0.0. Collection method: curation. Allele origin: germline. Inheritance: X-linked inheritance.
Comment: NM_000206.3(IL2RG):c.1076C>T is a missense variant predicted to cause substitution of Alanine by Valine at amino acid 359 (p.Ala359Val). The highest population minor allele frequency in gnomAD v4 is 0.0001453 (126/867358) in European Non-Finnish population (PM2_Supporting, BS1, and BA1 are not met). To our knowledge, this variant has not been reported in the literature in individuals affected with IL2RG related conditions or in functional studies. In summary, this variant meets the criteria to be classified as a variant of uncertain significance for X-linked severe combined immunodeficiency due to IL2RG deficiency based on the ACMG/AMP criteria applied, as specified by the ClinGen SCID VCEP: None (VCEP specifications version 1).

PreventionGenetics, part of Exact Sciences
Classification: Likely benign for IL2RG-related condition. Last evaluated: 2026-06-12. Review status: criteria provided, single submitter. Criteria: ACMG Guidelines, 2015. Collection method: clinical testing. Allele origin: germline. Not counted in ClinVar's aggregate classification.
Comment: This variant is classified as likely benign based on ACMG/AMP sequence variant interpretation guidelines (Richards et al. 2015 PMID: 25741868, with internal and published modifications).

Ambry Genetics
Classification: Uncertain significance for Inborn genetic diseases. Last evaluated: 2025-08-22. Review status: criteria provided, single submitter. Criteria: Ambry Variant Classification Scheme 2023. Collection method: clinical testing. Allele origin: germline. Not counted in ClinVar's aggregate classification.

Labcorp Genetics (formerly Invitae), Labcorp
Classification: Likely benign for X-linked severe combined immunodeficiency. Last evaluated: 2025-05-19. Review status: criteria provided, single submitter. Criteria: Invitae Variant Classification Sherloc (09022015). Collection method: clinical testing. Allele origin: germline. Not counted in ClinVar's aggregate classification.

Natera, Inc.
Classification: Uncertain significance for X-linked severe combined immunodeficiency. Last evaluated: 2020-07-15. Review status: no assertion criteria provided. Collection method: clinical testing. Allele origin: germline. Not counted in ClinVar's aggregate classification.

NM_000206.3(IL2RG):c.1076C>T (p.Ala359Val)

Gene: IL2RG (interleukin 2 receptor subunit gamma; minus strand). Cytogenetic location: Xq13.1.
Variant type: single nucleotide variant.
Coding change: c.1076C>T on transcript NM_000206.3 (MANE Select); coding-DNA position 1076, C replaced by T.
Protein change: p.Ala359Val; replaces alanine 359 with valine.
Molecular consequence: missense variant.
Genome position (GRCh38, 1-based): chrX:71,107,770, G>A on the plus strand (C>T on the coding strand, the complement: IL2RG is on the minus strand). VCF-style: chrX-71107770-G-A. GRCh37 (hg19) VCF-style: chrX-70327620-G-A.
Other names: NM_000206.3(IL2RG):c.1076C>T; p.Ala359Val; short protein forms A359V.
Identifiers: ClinVar variation 968664 (VCV000968664.15), dbSNP rs767383120, ClinGen allele CA331121466.